The following is an entry in ClinVar:

ClinVar aggregate classification (germline): Likely pathogenic. Review status: criteria provided, multiple submitters, no conflicts (2 of 4 stars). 3 submissions from 3 submitters: Likely pathogenic (3). Last evaluated 2024-05-27.

Conditions:
Retinal dystrophy. Also called: Inherited retinal dystrophy. Identifiers: Orphanet 71862, MedGen C0854723, MeSH D058499, MONDO:0019118, HP:0000556.
Retinitis pigmentosa 54 (RP54). Identifiers: Orphanet 791, MedGen C3150691, MONDO:0013263, OMIM 613428.
PCARE-related disorder. Also called: PCARE-related condition.

Allele frequency attached by ClinVar (database versions not stated): gnomAD exomes 0.00001.
gnomAD v4.1: 5 of 1,613,868 alleles (0.00031%); highest among the groups gnomAD compares: Middle Eastern, 0.017%; no homozygotes.

Submissions (3):

Ophthalmic Genetics Group, Institute of Molecular and Clinical Ophthalmology Basel
Classification: Likely pathogenic for Retinal dystrophy. Last evaluated: 2024-05-27. Review status: criteria provided, single submitter. Criteria: ACMG Guidelines, 2015. Collection method: research. Allele origin: germline. Affected: yes. Observed: 4 variant alleles.
Comment: This variant was classified as Likely pathogenic based on ACMG criteria: PVS1_strong, PM2_mod and PM3_sup

Blueprint Genetics
Classification: Likely pathogenic for PCARE-related disorders. Last evaluated: 2022-03-11. Review status: criteria provided, single submitter. Criteria: ACMG Guidelines, 2015. Collection method: clinical testing. Allele origin: germline. Affected: yes. Observed: 2 variant alleles.

Moosajee Lab, UCL Institute of Ophthalmology
Classification: Likely pathogenic for Retinitis pigmentosa 54. Review status: criteria provided, single submitter. Criteria: ACMG Guidelines, 2015. Collection method: clinical testing. Allele origin: inherited. Affected: yes. Observed: 1 homozygote.

Literature cited by the submitters: PubMed 40180963 (cited by Ophthalmic Genetics Group, Institute of Molecular and Clinical Ophthalmology Basel).

NM_001029883.3(PCARE):c.3668+2T>C

Gene: PCARE (photoreceptor cilium actin regulator; minus strand). Cytogenetic location: 2p23.2.
Variant type: single nucleotide variant.
Coding change: c.3668+2T>C on transcript NM_001029883.3 (MANE Select); the canonical splice donor site of the intron after coding-DNA position 3668, T replaced by C.
Molecular consequence: splice donor variant.
Genome position (GRCh38, 1-based): chr2:29,070,592, A>G on the plus strand (T>C on the coding strand, the complement: PCARE is on the minus strand). VCF-style: chr2-29070592-A-G. GRCh37 (hg19) VCF-style: chr2-29293458-A-G.
Other names: NC_000002.11:g.29293458A>G; NP_001025054.1:p.?.
Identifiers: ClinVar variation 916720 (VCV000916720.4), dbSNP rs1667454188, ClinGen allele CA346472575.